The following is an entry in ClinVar:

NM_006031.6(PCNT):c.8720G>A (p.Trp2907Ter)

Gene: PCNT (pericentrin; plus strand). Cytogenetic location: 21q22.3.
Variant type: single nucleotide variant.
Coding change: c.8720G>A on transcript NM_006031.6 (MANE Select); coding-DNA position 8720, G replaced by A.
Protein change: p.Trp2907Ter; replaces tryptophan 2907 with a stop codon.
Molecular consequence: nonsense. On other transcripts: intron variant (1).
Genome position (GRCh38, 1-based): chr21:46,432,184, G>A. VCF-style: chr21-46432184-G-A. GRCh37 (hg19) VCF-style: chr21-47852098-G-A.
Other names: c.8160+206G>A (NM_001315529.2); short protein forms W2907*.
Identifiers: ClinVar variation 2824587 (VCV002824587.3), dbSNP rs1314660137, ClinGen allele CA410574120.

ClinVar aggregate classification (germline): Pathogenic (1 of 4 stars; one submission).

gnomAD v4.1: 1 of 1,612,390 alleles (0.000062%); highest among the groups gnomAD compares: Non-Finnish European, 0.000085%; no homozygotes.

Submission:

Labcorp Genetics (formerly Invitae), Labcorp
Classification: Pathogenic. Last evaluated: 2022-12-27. Review status: criteria provided, single submitter. Criteria: Invitae Variant Classification Sherloc (09022015). Collection method: clinical testing. Allele origin: germline.
Comment: This sequence change creates a premature translational stop signal (p.Trp2907*) in the PCNT gene. It is expected to result in an absent or disrupted protein product. Loss-of-function variants in PCNT are known to be pathogenic (PMID: 18174396, 22821869). For these reasons, this variant has been classified as Pathogenic. This variant has not been reported in the literature in individuals affected with PCNT-related conditions. This variant is not present in population databases (gnomAD no frequency).

Literature cited by the submitters: PubMed 18174396; PubMed 22821869.